The following is an entry in ClinVar:

ClinVar aggregate classification (germline): Pathogenic (1 of 4 stars; one submission).

Conditions:
Pendred syndrome (PDS). Also called: Pendred Syndrome (PDS); DEAFNESS WITH GOITER; GOITER-DEAFNESS SYNDROME; HYPOTHYROIDISM, CONGENITAL, DUE TO DYSHORMONOGENESIS, 2B; THYROID DYSHORMONOGENESIS 2B; THYROID HORMONOGENESIS, GENETIC DEFECT IN, 2B. Identifiers: Orphanet 705, MedGen C0271829, MONDO:0010134, OMIM 274600.

Submission:

Myriad Genetics, Inc.
Classification: Pathogenic for Pendred syndrome. Last evaluated: 2025-05-31. Review status: criteria provided, single submitter. Criteria: Myriad Autosomal Dominant, Autosomal Recessive and X-Linked Classification Criteria (2023). Collection method: clinical testing. Allele origin: unknown.
Comment: NM_000441.1(SLC26A4):c.680_696del17(A227Gfs*27) is expected to be pathogenic in the context of Pendred syndrome. This variant is predicted to lead to an abnormal or absent protein product due to the creation of a premature termination codon in SLC26A4, a gene where loss-of-function variants are known to be pathogenic. Please note: this variant was assessed in the context of healthy population screening.

NM_000441.2(SLC26A4):c.680_696del (p.Ala227fs)

Gene: SLC26A4 (solute carrier family 26 member 4; plus strand). Cytogenetic location: 7q22.3.
Variant type: Deletion.
Coding change: c.680_696del on transcript NM_000441.2 (MANE Select); coding-DNA positions 680 to 696, 17 bases deleted (CTGCCTTCCAAGTGCTG).
Protein change: p.Ala227fs; shifts the reading frame from alanine 227.
Molecular consequence: frameshift variant.
Genome position (GRCh38, 1-based): chr7:107,675,024-107,675,040, CTGCCTTCCAAGTGCTG deleted; deleting any 17 consecutive bases within chr7:107,675,020-107,675,040 gives the same sequence; the c. name uses the placement nearest the transcript's 3' end. VCF-style (leftmost placement, unchanged base first): chr7-107675019-AGCTGCTGCCTTCCAAGT-A. GRCh37 (hg19) VCF-style: chr7-107315464-AGCTGCTGCCTTCCAAGT-A.
Other names: short protein forms A227fs.
Identifiers: ClinVar variation 5014542 (VCV005014542.1).